The following is an entry in ClinVar:

NM_032043.3(BRIP1):c.2906-17A>C

Gene: BRIP1 (BRCA1 interacting DNA helicase 1; minus strand). Cytogenetic location: 17q23.2.
Variant type: single nucleotide variant.
Coding change: c.2906-17A>C on transcript NM_032043.3 (MANE Select); 17 bases into the intron before coding-DNA position 2906, A replaced by C.
Molecular consequence: intron variant.
Genome position (GRCh38, 1-based): chr17:61,684,157, T>G on the plus strand (A>C on the coding strand, the complement: BRIP1 is on the minus strand). VCF-style: chr17-61684157-T-G. GRCh37 (hg19) VCF-style: chr17-59761518-T-G.
Identifiers: ClinVar variation 2130494 (VCV002130494.5), dbSNP rs2144094821, ClinGen allele CA2580094582.

ClinVar aggregate classification (germline): Likely benign. Review status: criteria provided, multiple submitters, no conflicts (2 of 4 stars). 2 submissions from 2 submitters: Likely benign (2). Last evaluated 2024-09-09.

Conditions:
Familial cancer of breast. Also called: BREAST CANCER, FAMILIAL; Hereditary breast cancer; hereditary breast carcinoma. Identifiers: Orphanet 227535, MedGen C0346153, MONDO:0016419, OMIM 114480. Disease mechanism: loss of function.
Fanconi anemia complementation group J. Also called: BRIP1-Related Fanconi Anemia. Identifiers: Orphanet 84, MedGen C1836860, MONDO:0012187, OMIM 609054.

Submissions (2):

Myriad Genetics, Inc.
Classification: Likely benign for Familial cancer of breast. Last evaluated: 2024-09-09. Review status: criteria provided, single submitter. Criteria: Myriad Autosomal Dominant, Autosomal Recessive and X-Linked Classification Criteria (2023). Collection method: clinical testing. Allele origin: unknown.
Comment: This variant is considered likely benign. This variant is intronic and is not expected to impact mRNA splicing.

Labcorp Genetics (formerly Invitae), Labcorp
Classification: Likely benign for Familial cancer of breast; Fanconi anemia complementation group J. Last evaluated: 2022-04-25. Review status: criteria provided, single submitter. Criteria: Invitae Variant Classification Sherloc (09022015). Collection method: clinical testing. Allele origin: germline.